The following is an entry in ClinVar:

NM_002968.3(SALL1):c.109A>T (p.Thr37Ser)

Gene: SALL1 (spalt like transcription factor 1; minus strand). Cytogenetic location: 16q12.1.
Variant type: single nucleotide variant.
Coding change: c.109A>T on transcript NM_002968.3 (MANE Select); coding-DNA position 109, A replaced by T.
Protein change: p.Thr37Ser; replaces threonine 37 with serine.
Molecular consequence: missense variant. On other transcripts: 5 prime UTR variant (1).
Genome position (GRCh38, 1-based): chr16:51,142,113, T>A on the plus strand (A>T on the coding strand, the complement: SALL1 is on the minus strand). VCF-style: chr16-51142113-T-A. GRCh37 (hg19) VCF-style: chr16-51176024-T-A.
Other names: c.-183A>T (NM_001127892.2); short protein forms T37S.
Identifiers: ClinVar variation 2041946 (VCV002041946.4), dbSNP rs1455978439, ClinGen allele CA395893638.

ClinVar aggregate classification (germline): Uncertain significance (1 of 4 stars; one submission).

Conditions:
Townes syndrome (TBS). Also called: Townes-Brocks syndrome. Identifiers: Orphanet 857, MedGen C0265246, MeSH C536974, MONDO:0007142.

Allele frequency attached by ClinVar (database versions not stated): gnomAD exomes 0.00001.
gnomAD v4.1: 7 of 1,613,544 alleles (0.00043%); highest among the groups gnomAD compares: African/African-American, 0.0027%; no homozygotes.

Submission:

Labcorp Genetics (formerly Invitae), Labcorp
Classification: Uncertain significance for Townes syndrome. Last evaluated: 2022-11-22. Review status: criteria provided, single submitter. Criteria: Invitae Variant Classification Sherloc (09022015). Collection method: clinical testing. Allele origin: germline.
Comment: This variant is present in population databases (no rsID available, gnomAD 0.007%). In summary, the available evidence is currently insufficient to determine the role of this variant in disease. Therefore, it has been classified as a Variant of Uncertain Significance. Algorithms developed to predict the effect of missense changes on protein structure and function (SIFT, PolyPhen-2, Align-GVGD) all suggest that this variant is likely to be tolerated. This variant has not been reported in the literature in individuals affected with SALL1-related conditions. This sequence change replaces threonine, which is neutral and polar, with serine, which is neutral and polar, at codon 37 of the SALL1 protein (p.Thr37Ser).